The following is an entry in ClinVar:

NM_000053.4(ATP7B):c.951A>G (p.Ala317=)

Gene: ATP7B (ATPase copper transporting beta; minus strand). Cytogenetic location: 13q14.3.
Variant type: single nucleotide variant.
Coding change: c.951A>G on transcript NM_000053.4 (MANE Select); coding-DNA position 951, A replaced by G.
Protein change: p.Ala317=; no amino-acid change (alanine 317 retained).
Molecular consequence: synonymous variant. On other transcripts: intron variant (1).
Genome position (GRCh38, 1-based): chr13:51,974,269, T>C on the plus strand (A>G on the coding strand, the complement: ATP7B is on the minus strand). VCF-style: chr13-51974269-T-C. GRCh37 (hg19) VCF-style: chr13-52548405-T-C.
Other names: c.951A>G (NM_000053.3); c.951A>G, p.Ala317= (NM_001005918.3, NM_001330578.2, NM_001330579.2); c.802+149A>G (NM_001243182.2).
Identifiers: ClinVar variation 1096062 (VCV001096062.11), dbSNP rs1951994227, ClinGen allele CA484024710.
Genomic context (GRCh38, chr13:51,974,269, plus strand): 5'-ATCTGTCCCACTCCCTTCGGCTCCATCAGGAAGAGAAACTTTAAAATTCCCAGGTGGAAG[T>C]GCCTCGATAGCCCTCTGCAGAGCCACTGGGCTGGTACAAGAAGGGTCATACTTTACTTGG-3'
Protein context (NP_000044.2, residues 307-327): SPVALQRAIE[Ala317=]LPPGNFKVSL

ClinVar aggregate classification (germline): Likely benign. Review status: criteria provided, multiple submitters, no conflicts (2 of 4 stars). 3 submissions from 3 submitters: Likely benign (3). Last evaluated 2026-06-12.

Conditions:
Inborn genetic diseases. Identifiers: MedGen C0950123, MeSH D030342.
ATP7B-related disorder. Also called: ATP7B-related condition.
Wilson disease (WND). Also called: Wilson's disease. Identifiers: Orphanet 905, MedGen C0019202, MONDO:0010200, OMIM 277900. Disease mechanism: loss of function.

Allele frequency attached by ClinVar (database versions not stated): TOPMed below 0.00001; gnomAD 0.00001.
gnomAD v4.1: 1 of 1,614,000 alleles (0.000062%); highest among the groups gnomAD compares: Admixed American, 0.0017%; no homozygotes.

Submissions (3):

PreventionGenetics, part of Exact Sciences
Classification: Likely benign for ATP7B-related condition. Last evaluated: 2026-06-12. Review status: criteria provided, single submitter. Criteria: ACMG Guidelines, 2015. Collection method: clinical testing. Allele origin: germline.
Comment: This variant is classified as likely benign based on ACMG/AMP sequence variant interpretation guidelines (Richards et al. 2015 PMID: 25741868, with internal and published modifications).

Labcorp Genetics (formerly Invitae), Labcorp
Classification: Likely benign for Wilson disease. Last evaluated: 2023-12-09. Review status: criteria provided, single submitter. Criteria: Invitae Variant Classification Sherloc (09022015). Collection method: clinical testing. Allele origin: germline.

Ambry Genetics
Classification: Likely benign for Inborn genetic diseases. Last evaluated: 2022-11-20. Review status: criteria provided, single submitter. Criteria: Ambry Variant Classification Scheme 2023. Collection method: clinical testing. Allele origin: germline.